The following is an entry in ClinVar:

NM_001007228.2(SPOP):c.108dup (p.Thr37fs)

Gene: SPOP (speckle type BTB/POZ protein; minus strand). Cytogenetic location: 17q21.33.
Variant type: Duplication.
Coding change: c.108dup on transcript NM_001007228.2 (MANE Select); coding-DNA position 108, one base duplicated (G; older notation c.108dupG).
Protein change: p.Thr37fs; shifts the reading frame from threonine 37.
Molecular consequence: frameshift variant.
Genome position (GRCh38, 1-based): chr17:49,622,038, C duplicated on the plus strand (G on the coding strand, the reverse complement: SPOP is on the minus strand); the first of 2 consecutive C bases (chr17:49,622,038-49,622,039); duplicating either gives the same sequence. VCF-style (leftmost placement, unchanged base first): chr17-49622037-T-TC. GRCh37 (hg19) VCF-style: chr17-47699399-T-TC.
Other names: c.108dup, p.Thr37fs (NM_001007226.1, NM_001007227.1, NM_001007229.1 and 5 more transcripts); short protein forms T37fs.
Identifiers: ClinVar variation 4294354 (VCV004294354.1).
Genomic context (GRCh38, chr17:49,622,037, plus strand): 5'-ATGTAGAACTTTTAATGACTTCACCCATTTCCTCCCGGCAAAAGCTAAAGTTATTGATGG[T>TC]CCACATGTAGGAGAATTTCACTACCTTGATCTGTTGATAGAAAAACAGGAAGCAATTAAA-3'

ClinVar aggregate classification (germline): Uncertain significance (1 of 4 stars; one submission).

Conditions:
Neurodevelopmental disorder with microcephaly and dysmorphic facies. Also called: Nabais Sa-de Vries syndrome, type 1. Identifiers: Orphanet 662179, MedGen C5394218, MONDO:0032942, OMIM 618828.
Neurodevelopmental disorder with relative macrocephaly and with or without cardiac or endocrine anomalies. Also called: Nabais Sa-de Vries syndrome, type 2. Identifiers: Orphanet 662175, MedGen C5394221, MONDO:0032943, OMIM 618829.

Submission:

Laboratorio de Biologia Molecular/Medicina Genomica - IFF/Fiocruz, Instituto Fernandes Figueira, Fundacao Oswaldo Cruz
Classification: Uncertain significance for Nabais Sa-de Vries syndrome, type 1; Nabais Sa-de Vries syndrome, type 2. Last evaluated: 2025-07-11. Review status: criteria provided, single submitter. Criteria: ACMG Guidelines, 2015. Collection method: clinical testing. Allele origin: germline. Affected: yes. Observed: 1 variant allele.
Comment: Variant: c.108dup (p.Thr37AspfsTer4) in exon 3 of the SPOP gene. Protein effect: Frameshift variant. Pathogenic variants in SPOP are associated with a gain-of-function mechanism; there is no evidence that loss-of-function variants are disease-causing (PMID: 29160310). Population/literature data: Absent in population databases (gnomAD) and not previously reported in the literature. ACMG/AMP criteria applied: PM2_Supporting, following ClinGen SVI recommendations.

Literature cited by the submitters: PubMed 29160310.